The following is an entry in ClinVar:

ClinVar aggregate classification (germline): Benign/Likely benign. Review status: criteria provided, multiple submitters, no conflicts (2 of 4 stars). 11 submissions from 11 submitters: Benign (7); Likely benign (3). 1 of the submissions does not count toward it. Last evaluated 2026-09-01.

Conditions:
Hermansky-Pudlak syndrome (HPS). Also called: ALBINISM WITH HEMORRHAGIC DIATHESIS AND PIGMENTED RETICULOENDOTHELIAL CELLS. Identifiers: Orphanet 79430, MedGen C0079504, MONDO:0019312.
Hermansky-Pudlak syndrome 1 (HPS1). Also called: DELTA STORAGE POOL DISEASE. Identifiers: Orphanet 231500, Orphanet 79430, MedGen C2931875, MONDO:0008748, OMIM 203300.

Allele frequency attached by ClinVar (database versions not stated): 1000 Genomes Project 30x 0.00234; 1000 Genomes Project 0.00240; TOPMed 0.00515; gnomAD 0.00573 and 0.00596; gnomAD exomes 0.00573 and 0.00811; ExAC 0.00618; ESP Exome Variant Server 0.00707.
gnomAD v4.1: 12,697 of 1,614,154 alleles (0.79%); highest among the groups gnomAD compares: Non-Finnish European, 0.97%; 84 homozygotes.

Submissions (11):

CeGaT Center for Human Genetics Tuebingen
Classification: Likely benign. Last evaluated: 2026-09-01. Review status: criteria provided, single submitter. Criteria: CeGaT Center For Human Genetics Tuebingen Variant Classification Criteria Version 2. Collection method: clinical testing. Allele origin: germline. Affected: yes. Observed: 6 variant alleles.
Comment: HPS1: BP4, BP7, BS2

Labcorp Genetics (formerly Invitae), Labcorp
Classification: Benign. Last evaluated: 2026-02-04. Review status: criteria provided, single submitter. Criteria: Invitae Variant Classification Sherloc (09022015). Collection method: clinical testing. Allele origin: germline.

Mayo Clinic Laboratories, Mayo Clinic
Classification: Benign. Last evaluated: 2025-07-23. Review status: criteria provided, single submitter. Criteria: ACMG Guidelines, 2015. Collection method: clinical testing. Allele origin: germline. Observed: 5 variant alleles.
Comment: BA1, BS2, BP4, BP7

Johns Hopkins Genomics, Johns Hopkins University
Classification: Likely benign for Hermansky-Pudlak syndrome 1. Last evaluated: 2024-06-13. Review status: criteria provided, single submitter. Criteria: ACMG Guidelines, 2015. Collection method: clinical testing. Allele origin: germline.
Comment: BS2, BP6

Illumina Laboratory Services, Illumina
Classification: Benign for Hermansky-Pudlak syndrome 1. Last evaluated: 2018-01-13. Review status: criteria provided, single submitter. Criteria: ICSL Variant Classification Criteria 13 December 2019. Collection method: clinical testing. Allele origin: germline.
Comment: This variant was observed in the ICSL laboratory as part of a predisposition screen in an ostensibly healthy population. It had not been previously curated by ICSL or reported in the Human Gene Mutation Database (HGMD: prior to June 1st, 2018), and was therefore a candidate for classification through an automated scoring system. Utilizing variant allele frequency, disease prevalence and penetrance estimates, and inheritance mode, an automated score was calculated to assess if this variant is too frequent to cause the disease. Based on the score and internal cut-off values, a variant classified as benign is not then subjected to further curation. The score for this variant resulted in a classification of benign for this disease.

Genetic Services Laboratory, University of Chicago
Classification: Benign. Last evaluated: 2016-07-11. Review status: criteria provided, single submitter. Criteria: ACMG Guidelines, 2015. Collection method: clinical testing. Allele origin: germline. Affected: no.

Eurofins Ntd Llc (ga)
Classification: Benign. Last evaluated: 2015-05-15. Review status: criteria provided, single submitter. Criteria: EGL Classification Definitions 2015. Collection method: clinical testing. Allele origin: germline.

Laboratory for Molecular Medicine, Mass General Brigham Personalized Medicine
Classification: Benign. Last evaluated: 2013-02-21. Review status: criteria provided, single submitter. Criteria: LMM Criteria. Collection method: clinical testing. Allele origin: germline. Observed: 2 variant alleles.
Comment: Ser566Ser in exon 17 of HPS1: This variant is not expected to have clinical sign ificance because it does not alter an amino acid residue and is not located with in the splice consensus sequence. It has been identified in 1.0% (83/8600) of Eu ropean American chromosomes from a broad population by the NHLBI Exome Sequencin g Project (dbSNP rs148450315).

Breakthrough Genomics
Classification: Likely benign. Review status: criteria provided, single submitter. Criteria: ACMG Guidelines, 2015. Collection method: not provided. Allele origin: germline. Inheritance: Autosomal recessive inheritance. Affected: yes.

PreventionGenetics, part of Exact Sciences
Classification: Benign. Review status: criteria provided, single submitter. Criteria: ACMG Guidelines, 2015. Collection method: clinical testing. Allele origin: germline.

Natera, Inc.
Classification: Benign for Hermansky-Pudlak syndrome. Last evaluated: 2020-09-16. Review status: no assertion criteria provided. Collection method: clinical testing. Allele origin: germline. Not counted in ClinVar's aggregate classification.

NM_000195.5(HPS1):c.1698G>A (p.Ser566=)

Gene: HPS1 (HPS1 biogenesis of lysosomal organelles complex 3 subunit 1; minus strand). Cytogenetic location: 10q24.2.
Variant type: single nucleotide variant.
Coding change: c.1698G>A on transcript NM_000195.5 (MANE Select); coding-DNA position 1698, G replaced by A.
Protein change: p.Ser566=; no amino-acid change (serine 566 retained).
Molecular consequence: synonymous variant.
Genome position (GRCh38, 1-based): chr10:98,422,414, C>T on the plus strand (G>A on the coding strand, the complement: HPS1 is on the minus strand). VCF-style: chr10-98422414-C-T. GRCh37 (hg19) VCF-style: chr10-100182171-C-T.
Other names: p.Ser566=; c.726G>A, p.Ser242= (NM_001311345.2, NM_001322487.2, NM_001322489.2); c.1698G>A, p.Ser566= (NM_001322476.2, NM_001322477.2); c.1599G>A, p.Ser533= (NM_001322478.2, NM_001322479.2); c.1437G>A, p.Ser479= (NM_001322480.2, NM_001322481.2); c.1338G>A, p.Ser446= (NM_001322482.2); c.1329G>A, p.Ser443= (NM_001322483.2, NM_001322484.2); c.1230G>A, p.Ser410= (NM_001322485.2).
Identifiers: ClinVar variation 194700 (VCV000194700.65), dbSNP rs148450315, ClinGen allele CA201309.